The following is an entry in ClinVar:

NM_001048174.2(MUTYH):c.707G>C (p.Gly236Ala)

Gene: MUTYH (mutY DNA glycosylase; minus strand). Cytogenetic location: 1p34.1.
Variant type: single nucleotide variant.
Coding change: c.707G>C on transcript NM_001048174.2 (MANE Select); coding-DNA position 707, G replaced by C.
Protein change: p.Gly236Ala; replaces glycine 236 with alanine.
Molecular consequence: missense variant. On other transcripts: non-coding transcript variant (7).
Genome position (GRCh38, 1-based): chr1:45,332,308, C>G on the plus strand (G>C on the coding strand, the complement: MUTYH is on the minus strand). VCF-style: chr1-45332308-C-G. GRCh37 (hg19) VCF-style: chr1-45797980-C-G.
Other names: c.752G>C, p.Gly251Ala (NM_001293190.2); c.740G>C, p.Gly247Ala (NM_001293191.2, NM_001407069.1, NM_001407077.1); c.431G>C, p.Gly144Ala (NM_001293192.2, NM_001293196.2, NM_001407091.1); c.707G>C, p.Gly236Ala (NM_001293195.2, NM_001407070.1, NM_001407088.1 and 6 more transcripts); c.362G>C, p.Gly121Ala (NM_001350650.2, NM_001350651.2, NM_001407082.1); c.749G>C, p.Gly250Ala (NM_001407083.1, NM_001407085.1); c.710G>C, p.Gly237Ala (NM_001407086.1, NM_001048172.2, NM_001407071.1 and 1 more transcripts); c.728G>C, p.Gly243Ala (NM_001407087.1); and 5 more; short protein forms G222A, G236A, G247A, G251A, G208A, G223A, G237A, G250A.
Identifiers: ClinVar variation 4113846 (VCV004113846.1).

ClinVar aggregate classification (germline): Uncertain significance (1 of 4 stars; one submission).

Conditions:
Hereditary cancer-predisposing syndrome. Also called: Hereditary neoplastic syndrome; Neoplastic Syndromes, Hereditary; Tumor predisposition; Hereditary Cancer Syndrome. Identifiers: Orphanet 140162, MedGen C0027672, MeSH D009386, MONDO:0015356.

gnomAD v4.1: 1 of 1,614,078 alleles (0.000062%); highest among the groups gnomAD compares: Non-Finnish European, 0.000085%; no homozygotes.

Submission:

Ambry Genetics
Classification: Uncertain significance for Hereditary cancer-predisposing syndrome. Last evaluated: 2025-08-27. Review status: criteria provided, single submitter. Criteria: Ambry Variant Classification Scheme 2023. Collection method: clinical testing. Allele origin: germline.
Comment: The p.G264A variant (also known as c.791G>C), located in coding exon 10 of the MUTYH gene, results from a G to C substitution at nucleotide position 791. The glycine at codon 264 is replaced by alanine, an amino acid with similar properties. This amino acid position is conserved. In addition, this alteration is predicted to be tolerated by in silico analysis. Based on the available evidence, the clinical significance of this variant remains unclear.